The following is an entry in ClinVar:

ClinVar aggregate classification (germline): Likely benign. Review status: criteria provided, multiple submitters, no conflicts (2 of 4 stars). 2 submissions from 2 submitters: Likely benign (2). Last evaluated 2026-06-23.

Conditions:
Ulnar-mammary syndrome (UMS). Also called: PALLISTER ULNAR-MAMMARY SYNDROME; SCHINZEL SYNDROME; Ulnar-mammary syndrome of Pallister. Identifiers: Orphanet 3138, MedGen C1866994, MONDO:0008411, OMIM 181450.
TBX3-related disorder. Also called: TBX3-related condition.

gnomAD v4.1: 1 of 1,567,826 alleles (0.000064%); highest among the groups gnomAD compares: African/African-American, 0.0014%; no homozygotes.

Submissions (2):

PreventionGenetics, part of Exact Sciences
Classification: Likely benign for TBX3-related condition. Last evaluated: 2026-06-23. Review status: criteria provided, single submitter. Criteria: ACMG Guidelines, 2015. Collection method: clinical testing. Allele origin: germline.
Comment: This variant is classified as likely benign based on ACMG/AMP sequence variant interpretation guidelines (Richards et al. 2015 PMID: 25741868, with internal and published modifications).

Labcorp Genetics (formerly Invitae), Labcorp
Classification: Likely benign for Ulnar-mammary syndrome. Last evaluated: 2024-09-29. Review status: criteria provided, single submitter. Criteria: Invitae Variant Classification Sherloc (09022015). Collection method: clinical testing. Allele origin: germline.

NM_005996.4(TBX3):c.1944G>A (p.Gly648=)

Gene: TBX3 (T-box transcription factor 3; minus strand). Cytogenetic location: 12q24.21.
Variant type: single nucleotide variant.
Coding change: c.1944G>A on transcript NM_005996.4 (MANE Select); coding-DNA position 1944, G replaced by A.
Protein change: p.Gly648=; no amino-acid change (glycine 648 retained).
Molecular consequence: synonymous variant.
Genome position (GRCh38, 1-based): chr12:114,672,069, C>T on the plus strand (G>A on the coding strand, the complement: TBX3 is on the minus strand). VCF-style: chr12-114672069-C-T. GRCh37 (hg19) VCF-style: chr12-115109874-C-T.
Other names: c.2004G>A, p.Gly668= (NM_016569.4); c.2004G>A (NM_016569.3).
Identifiers: ClinVar variation 2893439 (VCV002893439.4), dbSNP rs2499783451, ClinGen allele CA482135964.